The following is an entry in ClinVar:

NM_000044.6(AR):c.2607+10C>T

Gene: AR (androgen receptor; plus strand). Cytogenetic location: Xq12.
Variant type: single nucleotide variant.
Coding change: c.2607+10C>T on transcript NM_000044.6 (MANE Select); 10 bases into the intron after coding-DNA position 2607, C replaced by T.
Molecular consequence: intron variant.
Genome position (GRCh38, 1-based): chrX:67,722,994, C>T. VCF-style: chrX-67722994-C-T. GRCh37 (hg19) VCF-style: chrX-66942836-C-T.
Other names: c.2607+10C>T (NM_000044.3); c.1011+10C>T (NM_001011645.3).
Identifiers: ClinVar variation 2932982 (VCV002932982.5), dbSNP rs780718542, ClinGen allele CA10436678.

ClinVar aggregate classification (germline): Benign/Likely benign. Review status: criteria provided, multiple submitters, no conflicts (2 of 4 stars). 3 submissions from 3 submitters: Benign (1); Likely benign (1). 1 of the submissions does not count toward it. Last evaluated 2024-09-22.

Conditions:
Androgen resistance syndrome (AIS). Also called: ANDROGEN RECEPTOR DEFICIENCY; DIHYDROTESTOSTERONE RECEPTOR DEFICIENCY; Androgen insensitivity; Androgen insensitivity syndrome; Androgen insensitivity, complete; Androgen insensitivity syndrome due to coactivator deficiency. Identifiers: Orphanet 754, Orphanet 99429, MedGen C0039585, MONDO:0019154, OMIM 300068. Disease mechanism: loss of function.
Kennedy disease (SMAX1). Also called: SPINAL AND BULBAR MUSCULAR ATROPHY, X-LINKED 1; Spinal and Bulbar Muscular Atrophy; KENNEDY SPINAL AND BULBAR MUSCULAR ATROPHY. Identifiers: Orphanet 481, MedGen C1839259, MONDO:0010735, OMIM 313200.
AR-related disorder. Also called: AR-related condition.

Allele frequency attached by ClinVar (database versions not stated): gnomAD exomes 0.00007; ExAC 0.00016; gnomAD 0.00023; TOPMed 0.00023.
gnomAD v4.1: 107 of 1,208,836 alleles (0.0089%); highest among the groups gnomAD compares: Admixed American, 0.05%; no homozygotes.

Submissions (3):

Labcorp Genetics (formerly Invitae), Labcorp
Classification: Benign for Kennedy disease; Androgen resistance syndrome. Last evaluated: 2024-09-22. Review status: criteria provided, single submitter. Criteria: Invitae Variant Classification Sherloc (09022015). Collection method: clinical testing. Allele origin: germline.

Blueprint Genetics
Classification: Likely benign. Last evaluated: 2023-07-04. Review status: criteria provided, single submitter. Criteria: ACMG Guidelines, 2015. Collection method: clinical testing. Allele origin: germline.

PreventionGenetics, part of Exact Sciences
Classification: Likely benign for AR-related condition. Last evaluated: 2024-07-23. Review status: no assertion criteria provided. Collection method: clinical testing. Allele origin: germline. Not counted in ClinVar's aggregate classification.
Comment: This variant is classified as likely benign based on ACMG/AMP sequence variant interpretation guidelines (Richards et al. 2015 PMID: 25741868, with internal and published modifications).